The following is an entry in ClinVar:

ClinVar aggregate classification (germline): Likely benign (1 of 4 stars; one submission).

gnomAD v4.1: 90 of 1,613,162 alleles (0.0056%); highest among the groups gnomAD compares: Non-Finnish European, 0.0074%; no homozygotes.

Submission:

CeGaT Center for Human Genetics Tuebingen
Classification: Likely benign. Last evaluated: 2026-04-01. Review status: criteria provided, single submitter. Criteria: CeGaT Center For Human Genetics Tuebingen Variant Classification Criteria Version 2. Collection method: clinical testing. Allele origin: germline. Affected: yes. Observed: 1 variant allele.
Comment: SCG5: BP4, BP7

NM_001144757.3(SCG5):c.6C>T (p.Val2=)

Genes: ARHGAP11A-SCG5 (ARHGAP11A-SCG5 readthrough; plus strand), SCG5 (secretogranin V; plus strand). Cytogenetic location: 15q13.3.
Variant type: single nucleotide variant.
Coding change: c.6C>T on transcript NM_001144757.3 (MANE Select); coding-DNA position 6, C replaced by T.
Protein change: p.Val2=; no amino-acid change (valine 2 retained).
Molecular consequence: synonymous variant.
Genome position (GRCh38, 1-based): chr15:32,643,598, C>T. VCF-style: chr15-32643598-C-T. GRCh37 (hg19) VCF-style: chr15-32935799-C-T.
Other names: c.6C>T, p.Val2= (NM_001394278.1, NM_001394279.1, NM_003020.5); c.1248C>T, p.Val416= (NM_001368319.1).
Identifiers: ClinVar variation 4873676 (VCV004873676.2).